The following is an entry in ClinVar:

NM_139343.3(BIN1):c.700C>T (p.Arg234Cys)

Gene: BIN1 (bridging integrator 1; minus strand). Cytogenetic location: 2q14.3.
Variant type: single nucleotide variant.
Coding change: c.700C>T on transcript NM_139343.3 (MANE Select); coding-DNA position 700, C replaced by T.
Protein change: p.Arg234Cys; replaces arginine 234 with cysteine.
Molecular consequence: missense variant.
Genome position (GRCh38, 1-based): chr2:127,063,645, G>A on the plus strand (C>T on the coding strand, the complement: BIN1 is on the minus strand). VCF-style: chr2-127063645-G-A. GRCh37 (hg19) VCF-style: chr2-127821221-G-A.
Other names: c.607C>T, p.Arg203Cys (NM_001320632.2, NM_001320641.2, NM_004305.4 and 6 more transcripts); c.700C>T, p.Arg234Cys (NM_001320633.2, NM_001320640.2, NM_139344.3 and 1 more transcripts); c.535C>T, p.Arg179Cys (NM_001320634.1); c.619C>T, p.Arg207Cys (NM_001320642.1); short protein forms R234C, R203C, R207C, R179C.
Identifiers: ClinVar variation 617681 (VCV000617681.9), dbSNP rs777176261, ClinGen allele CA1857363.

ClinVar aggregate classification (germline): Pathogenic/Likely pathogenic. Review status: criteria provided, multiple submitters, no conflicts (2 of 4 stars). 4 submissions from 4 submitters: Pathogenic (2); Likely pathogenic (1). 1 of the submissions does not count toward it. Last evaluated 2025-07-30.

Conditions:
Myopathy, centronuclear, 2 (CNM2). Also called: MYOTUBULAR MYOPATHY, AUTOSOMAL RECESSIVE. Identifiers: Orphanet 169186, MedGen CN031787, MONDO:0009709, OMIM 255200.

Allele frequency attached by ClinVar (database versions not stated): gnomAD exomes 0.00001; gnomAD 0.00001; ExAC 0.00001.
gnomAD v4.1: 14 of 1,613,248 alleles (0.00087%); highest among the groups gnomAD compares: Admixed American, 0.0017%; no homozygotes.

Submissions (4):

Dasa
Classification: Pathogenic. Last evaluated: 2025-07-30. Review status: criteria provided, single submitter. Criteria: DASA Assertion Criteria. Collection method: clinical testing. Allele origin: germline.
Comment: NM_139343.3(BIN1):c.700C>T (p.Arg234Cys) is a missense variant that results in the substitution of arginine with cysteine. Segregation evidence has been reported in affected families. This variant has been observed in affected individuals with related phenotype in a genotype context consistent with recessive disease (PMID: 29950440). This variant has been reported in individuals with related phenotype (PMID: 29950440). Multiple computational predictions support a deleterious effect on the gene or gene product. The variant is present at low frequency in population datasets. Based on the available data, this variant is classified as pathogenic.

Labcorp Genetics (formerly Invitae), Labcorp
Classification: Pathogenic for Myopathy, centronuclear, 2. Last evaluated: 2021-12-15. Review status: criteria provided, single submitter. Criteria: Invitae Variant Classification Sherloc (09022015). Collection method: clinical testing. Allele origin: germline.
Comment: This variant is present in population databases (rs777176261, gnomAD 0.003%). This missense change has been observed in individuals with autosomal recessive centronuclear myopathy (PMID: 29950440). It has also been observed to segregate with disease in related individuals. ClinVar contains an entry for this variant (Variation ID: 617681). Algorithms developed to predict the effect of missense changes on protein structure and function (SIFT, PolyPhen-2, Align-GVGD) all suggest that this variant is likely to be disruptive. For these reasons, this variant has been classified as Pathogenic. This sequence change replaces arginine, which is basic and polar, with cysteine, which is neutral and slightly polar, at codon 234 of the BIN1 protein (p.Arg234Cys).

SIB Swiss Institute of Bioinformatics
Classification: Likely pathogenic for Myopathy, centronuclear, 2. Last evaluated: 2019-01-08. Review status: criteria provided, single submitter. Criteria: ACMG Guidelines, 2015. Collection method: curation. Allele origin: unknown.
Comment: This variant is interpreted as a Likely pathogenic for Myopathy, centronuclear, 2 autosomal recessive. The following ACMG Tag(s) were applied: PM2 : Absent from controls (or at extremely low frequency if recessive) in Exome Sequencing Project, 1000 Genomes Project, or Exome Aggregation Consortium. PP3 : Multiple lines of computational evidence support a deleterious effect on the gene or gene product. PM1 : Located in a mutational hot spot and/or critical and well-established functional domain (e.g., active site of an enzyme) without benign variation. PP1-Strong : PP1 (segregation data) upgraded in strength to Strong (PMID:29950440).

OMIM
Classification: Pathogenic for MYOPATHY, CENTRONUCLEAR, 2. Last evaluated: 2019-02-08. Review status: no assertion criteria provided. Collection method: literature only. Allele origin: germline. Not counted in ClinVar's aggregate classification.

Literature cited by the submitters: PubMed 29950440 (cited by 4 submitters).